The following is an entry in ClinVar:

NM_152701.5(ABCA13):c.927G>T (p.Met309Ile)

Gene: ABCA13 (ATP binding cassette subfamily A member 13; plus strand). Cytogenetic location: 7p12.3.
Variant type: single nucleotide variant.
Coding change: c.927G>T on transcript NM_152701.5 (MANE Select); coding-DNA position 927, G replaced by T.
Protein change: p.Met309Ile; replaces methionine 309 with isoleucine.
Molecular consequence: missense variant.
Genome position (GRCh38, 1-based): chr7:48,239,270, G>T. VCF-style: chr7-48239270-G-T. GRCh37 (hg19) VCF-style: chr7-48278867-G-T.
Other names: short protein forms M309I.
Identifiers: ClinVar variation 3067184 (VCV003067184.21), dbSNP rs144218923, ClinGen allele CA4256270.
Genomic context (GRCh38, chr7:48,239,270, plus strand): 5'-ATGTCTAAATATTTTTTCATATTGTTGTCAGATTCCCACAGACACTTCCTTGGAGAAGAT[G>T]GTGTGTTCAGTCTTGTCTAGCACATCAGAGGATGAAGCTGAGAAATGGGGCCACGTTGGA-3'
Protein context (NP_689914.3, residues 299-319): EIPTDTSLEK[Met309Ile]VCSVLSSTSE

ClinVar aggregate classification (germline): Likely benign (1 of 4 stars; one submission).

Allele frequency attached by ClinVar (database versions not stated): ExAC 0.00056; TOPMed 0.00061; 1000 Genomes Project 30x 0.00062; ESP Exome Variant Server 0.00065; gnomAD 0.00069; 1000 Genomes Project 0.00080; gnomAD exomes 0.00121.
gnomAD v4.1: 1,845 of 1,613,930 alleles (0.11%); highest among the groups gnomAD compares: Non-Finnish European, 0.15%; 4 homozygotes.

Submission:

CeGaT Center for Human Genetics Tuebingen
Classification: Likely benign. Last evaluated: 2026-08-01. Review status: criteria provided, single submitter. Criteria: CeGaT Center For Human Genetics Tuebingen Variant Classification Criteria Version 2. Collection method: clinical testing. Allele origin: germline. Affected: yes. Observed: 3 variant alleles.
Comment: ABCA13: BP4